The following is an entry in ClinVar:

ClinVar aggregate classification (germline): Uncertain significance (1 of 4 stars; one submission).

Conditions:
Cohen syndrome (COH1). Also called: PEPPER SYNDROME; Cutis verticis gyrata, retinitis pigmentosa, and sensorineural deafness. Identifiers: Orphanet 193, MedGen C0265223, MONDO:0008999, OMIM 216550.

Submission:

Neuberg Centre For Genomic Medicine, NCGM
Classification: Uncertain significance for Cohen syndrome. Last evaluated: 2023-02-14. Review status: criteria provided, single submitter. Criteria: ACMG Guidelines, 2015. Collection method: clinical testing. Allele origin: germline. Inheritance: Autosomal recessive inheritance. Affected: yes.
Comment: The missense variant c.8423A>T(p.Asn2808Ile) in VPS13B gene has not been reported previously as a pathogenic variant nor as a benign variant, to our knowledge. The p.Asn2808Ile variant is novel (not in any individuals) in gnomAD Exomes and 1000 Genomes. This variant has not been reported to the ClinVar database. The amino acid change p.Asn2808Ile in VPS13B is predicted as conserved by GERP++ and PhyloP across 100 vertebrates. The amino acid Asn at position 2808 is changed to a Ile changing protein sequence and it might alter its composition and physico-chemical properties. For these reasons, this variant has been classified as Uncertain Significance (VUS).

NM_152564.5(VPS13B):c.8423A>T (p.Asn2808Ile)

Gene: VPS13B (vacuolar protein sorting 13 homolog B; plus strand). Cytogenetic location: 8q22.2.
Variant type: single nucleotide variant.
Coding change: c.8423A>T on transcript NM_152564.5 (MANE Select); coding-DNA position 8423, A replaced by T.
Protein change: p.Asn2808Ile; replaces asparagine 2808 with isoleucine.
Molecular consequence: missense variant.
Genome position (GRCh38, 1-based): chr8:99,818,512, A>T. VCF-style: chr8-99818512-A-T. GRCh37 (hg19) VCF-style: chr8-100830740-A-T.
Other names: c.8498A>T, p.Asn2833Ile (NM_017890.5); short protein forms N2808I, N2833I.
Identifiers: ClinVar variation 2671766 (VCV002671766.1), dbSNP rs368357351, ClinGen allele CA371773821.